The following is an entry in ClinVar:

NM_001348323.3(TRIP12):c.957G>A (p.Leu319=)

Gene: TRIP12 (thyroid hormone receptor interactor 12; minus strand). Cytogenetic location: 2q36.3.
Variant type: single nucleotide variant.
Coding change: c.957G>A on transcript NM_001348323.3 (MANE Select); coding-DNA position 957, G replaced by A.
Protein change: p.Leu319=; no amino-acid change (leucine 319 retained).
Molecular consequence: synonymous variant. On other transcripts: intron variant (3).
Genome position (GRCh38, 1-based): chr2:229,858,842, C>T on the plus strand (G>A on the coding strand, the complement: TRIP12 is on the minus strand). VCF-style: chr2-229858842-C-T. GRCh37 (hg19) VCF-style: chr2-230723558-C-T.
Other names: c.957G>A, p.Leu319= (NM_001284214.2, NM_001348315.2, NM_001348319.1 and 13 more transcripts); c.831G>A, p.Leu277= (NM_001284215.2, NM_001348316.2, NM_001348317.1 and 3 more transcripts); c.98+21140G>A (NM_001284216.2); c.881-11G>A (NM_001348332.1, NM_001348334.1).
Identifiers: ClinVar variation 3046808 (VCV003046808.2), dbSNP rs149680836, ClinGen allele CA2153418.

ClinVar aggregate classification (germline): Likely benign (0 of 4 stars; one submission).

Conditions:
TRIP12-related disorder. Also called: TRIP12-related condition.

Allele frequency attached by ClinVar (database versions not stated): ExAC 0.00008; ESP Exome Variant Server 0.00023; gnomAD 0.00027; TOPMed 0.00027; 1000 Genomes Project 0.00040; 1000 Genomes Project 30x 0.00047.
gnomAD v4.1: 82 of 1,614,144 alleles (0.0051%); highest among the groups gnomAD compares: African/African-American, 0.097%; no homozygotes.

Submission:

PreventionGenetics, part of Exact Sciences
Classification: Likely benign for TRIP12-related condition. Last evaluated: 2019-04-04. Review status: no assertion criteria provided. Collection method: clinical testing. Allele origin: germline.
Comment: This variant is classified as likely benign based on ACMG/AMP sequence variant interpretation guidelines (Richards et al. 2015 PMID: 25741868, with internal and published modifications).